The following is an entry in ClinVar:

NM_005055.5(RAPSN):c.1114G>A (p.Glu372Lys)

Gene: RAPSN (receptor associated protein of the synapse; minus strand). Cytogenetic location: 11p11.2.
Variant type: single nucleotide variant.
Coding change: c.1114G>A on transcript NM_005055.5 (MANE Select); coding-DNA position 1114, G replaced by A.
Protein change: p.Glu372Lys; replaces glutamic acid 372 with lysine.
Molecular consequence: missense variant.
Genome position (GRCh38, 1-based): chr11:47,438,784, C>T on the plus strand (G>A on the coding strand, the complement: RAPSN is on the minus strand). VCF-style: chr11-47438784-C-T. GRCh37 (hg19) VCF-style: chr11-47460335-C-T.
Other names: c.937G>A, p.Glu313Lys (NM_032645.5); short protein forms E313K, E372K.
Identifiers: ClinVar variation 2194358 (VCV002194358.1), dbSNP rs1392137684, ClinGen allele CA380327377.

ClinVar aggregate classification (germline): Uncertain significance (1 of 4 stars; one submission).

Conditions:
Fetal akinesia deformation sequence 1 (FADS1). Also called: Pena-Shokeir syndrome type I; Fetal akinesia sequence. Identifiers: Orphanet 994, MedGen C1276035, MONDO:0100101, OMIM 208150, HP:0001989.
Congenital myasthenic syndrome 11. Also called: Myasthenic syndrome, congenital, 11, associated with acetylcholine receptor deficiency; MYASTHENIC SYNDROME, CONGENITAL, Ie. Identifiers: Orphanet 590, MedGen C4225367, MONDO:0014588, OMIM 616326.

Allele frequency attached by ClinVar (database versions not stated): gnomAD exomes 0.00001; TOPMed 0.00002.
gnomAD v4.1: 9 of 1,568,036 alleles (0.00057%); highest among the groups gnomAD compares: South Asian, 0.0035%; no homozygotes.

Submission:

Labcorp Genetics (formerly Invitae), Labcorp
Classification: Uncertain significance for Congenital myasthenic syndrome 11; Fetal akinesia deformation sequence 1. Last evaluated: 2021-09-01. Review status: criteria provided, single submitter. Criteria: Invitae Variant Classification Sherloc (09022015). Collection method: clinical testing. Allele origin: germline.
Comment: This sequence change replaces glutamic acid with lysine at codon 372 of the RAPSN protein (p.Glu372Lys). The glutamic acid residue is highly conserved and there is a small physicochemical difference between glutamic acid and lysine. This variant is not present in population databases (ExAC no frequency). This variant has not been reported in the literature in individuals affected with RAPSN-related conditions. Algorithms developed to predict the effect of missense changes on protein structure and function are either unavailable or do not agree on the potential impact of this missense change (SIFT: "Deleterious"; PolyPhen-2: "Benign"; Align-GVGD: "Class C0"). In summary, the available evidence is currently insufficient to determine the role of this variant in disease. Therefore, it has been classified as a Variant of Uncertain Significance.